The following is an entry in ClinVar:

NM_001009944.3(PKD1):c.11927G>T (p.Ser3976Ile)

Gene: PKD1 (polycystin 1, transient receptor potential channel interacting; minus strand). Cytogenetic location: 16p13.3.
Variant type: single nucleotide variant.
Coding change: c.11927G>T on transcript NM_001009944.3 (MANE Select); coding-DNA position 11927, G replaced by T.
Protein change: p.Ser3976Ile; replaces serine 3976 with isoleucine.
Molecular consequence: missense variant.
Genome position (GRCh38, 1-based): chr16:2,090,960, C>A on the plus strand (G>T on the coding strand, the complement: PKD1 is on the minus strand). VCF-style: chr16-2090960-C-A. GRCh37 (hg19) VCF-style: chr16-2140961-C-A.
Other names: c.11924G>T, p.Ser3975Ile (NM_000296.4); short protein forms S3975I, S3976I.
Identifiers: ClinVar variation 3068690 (VCV003068690.5), dbSNP rs1022699284, ClinGen allele CA394329086.

ClinVar aggregate classification (germline): Conflicting classifications of pathogenicity. Review status: criteria provided, conflicting classifications (1 of 4 stars). 3 submissions from 3 submitters: Likely pathogenic (1); Uncertain significance (2). Last evaluated 2025-03-16.

Conditions:
Polycystic kidney disease, adult type (PKD1). Also called: Polycystic Kidney, Autosomal Dominant; POLYCYSTIC KIDNEY DISEASE 1 WITH OR WITHOUT POLYCYSTIC LIVER DISEASE; Polycystic Kidney Disease 1, Autosomal Dominant; Polycystic kidney disease 1; Polycystic kidney disease 1, severe; POLYCYSTIC KIDNEY DISEASE, ADULT, TYPE I. Identifiers: MedGen C3149841, MONDO:0008263, OMIM 173900.

gnomAD v4.1: 1 of 1,555,098 alleles (0.000064%); highest among the groups gnomAD compares: South Asian, 0.0012%; no homozygotes.

Submissions (3):

Victorian Clinical Genetics Services, Murdoch Childrens Research Institute
Classification: Likely pathogenic for Polycystic kidney disease, adult type. Last evaluated: 2025-03-16. Review status: criteria provided, single submitter. Criteria: ACMG Guidelines, 2015. Collection method: clinical testing. Allele origin: germline. Affected: yes.
Comment: This variant is classified as Likely pathogenic. Evidence in support of pathogenic classification: Variant is present in gnomAD <0.001 for a dominant condition (v4: 1 heterozygote(s), 0 homozygote(s)) ; This variant has moderate previous evidence of pathogenicity in unrelated individuals. This variant has been reported in the literature in two individuals from large cohort studies with ADPKD (PMIDs: 36938073, 35778421). Additional information: Variant is predicted to result in a missense amino acid change from serine to isoleucine; This variant is heterozygous; This gene is associated with autosomal dominant disease. Polycystic kidney disease 1 (MIM#173900) is predominantly caused by monoallelic variants, with rare reports of biallelic variants causing disease (OMIM); Alternative amino acid change(s) at the same position are present in gnomAD (Highest allele count: v4: 2 heterozygote(s), 0 homozygote(s)); No published functional evidence has been identified for this variant; No comparable missense variants have previous evidence for pathogenicity; Variant is located in the annotated PKD channel domain (DECIPHER); Missense variant with inconclusive in silico prediction and uninformative conservation; Loss of function is a known mechanism of disease in this gene and is associated with polycystic kidney disease 1 (MIM#173900); Inheritance information for this variant is not currently available in this individual.

Department of Pathology and Laboratory Medicine, Sinai Health System
Classification: Uncertain significance for Polycystic kidney disease, adult type. Last evaluated: 2024-05-24. Review status: criteria provided, single submitter. Criteria: ACMG Guidelines, 2015. Collection method: clinical testing. Allele origin: germline. Affected: yes.

Molecular Genetics, Royal Melbourne Hospital
Classification: Uncertain significance for Polycystic kidney disease, adult type. Last evaluated: 2023-07-07. Review status: criteria provided, single submitter. Criteria: ACMG Guidelines, 2015. Collection method: clinical testing. Allele origin: germline. Inheritance: Autosomal dominant inheritance. Affected: yes.
Comment: This sequence change in PKD1 is predicted to replace serine with isoleucine at codon 3976, p.(Ser3976Ile). The serine residue is moderately conserved (100 vertebrates, UCSC), and is located in the PKD channel. There is a large physicochemical difference between serine and isoleucine. This variant is absent from the population database gnomAD v2.1 and v3.1. This variant has been identified in at least two probands with autosomal dominant polycystic kidney disease (ADPKD Variant Database; Royal Melbourne Hospital). Computational evidence is uninformative for this missense substitution (REVEL = 0.62). Based on the classification scheme RMH Modified ACMG/AMP Guidelines v1.6.1, this variant is classified as a VARIANT OF UNCERTAIN SIGNIFICANCE. Following criteria are met: PM2_Supporting, PS4_Supporting

Literature cited by the submitters: PubMed 35778421 (cited by Victorian Clinical Genetics Services, Murdoch Childrens Research Institute); PubMed 36938073 (cited by Victorian Clinical Genetics Services, Murdoch Childrens Research Institute).